The following is an entry in ClinVar:

NM_005609.4(PYGM):c.1948C>T (p.Arg650Ter)

Gene: PYGM (glycogen phosphorylase, muscle associated; minus strand). Cytogenetic location: 11q13.1.
Variant type: single nucleotide variant.
Coding change: c.1948C>T on transcript NM_005609.4 (MANE Select); coding-DNA position 1948, C replaced by T.
Protein change: p.Arg650Ter; replaces arginine 650 with a stop codon.
Molecular consequence: nonsense.
Genome position (GRCh38, 1-based): chr11:64,751,346, G>A on the plus strand (C>T on the coding strand, the complement: PYGM is on the minus strand). VCF-style: chr11-64751346-G-A. GRCh37 (hg19) VCF-style: chr11-64518818-G-A.
Other names: c.1684C>T, p.Arg562Ter (NM_001164716.1); c.[1948C>T] (NM_005609.3); short protein forms R650*, R562*.
Identifiers: ClinVar variation 433147 (VCV000433147.20), dbSNP rs114073621, ClinGen allele CA6079669.

ClinVar aggregate classification (germline): Pathogenic. Review status: criteria provided, multiple submitters, no conflicts (2 of 4 stars). 8 submissions from 8 submitters: Pathogenic (7). 1 of the submissions does not count toward it. Last evaluated 2025-12-01.

Conditions:
Glycogen storage disease, type V (GSD5). Also called: McArdle type glycogen storage disease; MCARDLE DISEASE; MUSCLE GLYCOGEN PHOSPHORYLASE DEFICIENCY; MYOPHOSPHORYLASE DEFICIENCY; PYGM DEFICIENCY. Identifiers: Orphanet 368, MedGen C0017924, MONDO:0009293, OMIM 232600.

Allele frequency attached by ClinVar (database versions not stated): gnomAD exomes below 0.00001 and 0.00001; ExAC 0.00001; TOPMed 0.00001; gnomAD 0.00002.

Submissions (8):

Natera, Inc.
Classification: Pathogenic for Glycogen storage disease V. Last evaluated: 2025-12-01. Review status: criteria provided, single submitter. Criteria: Natera Variant Classification Schema (03/2026). Collection method: clinical testing. Allele origin: germline.
Comment: The c.1948C>T variant in PYGM is a nonsense variant predicted to introduce a stop codon at amino acid 650. This variant is expected to result in nonsense mediated decay, truncation, or a dysfunctional protein product. This variant is rare in the general population with a frequency below the threshold expected for the associated phenotype(s). This variant has been observed in one or more individuals affected with the associated recessive disease, as either homozygous or compound heterozygous with a second variant (PMID: 30076350, 34534370). Given the available evidence, this variant is classified as Pathogenic.

Women's Health and Genetics/Laboratory Corporation of America, LabCorp
Classification: Pathogenic for Glycogen storage disease, type V. Last evaluated: 2025-06-13. Review status: criteria provided, single submitter. Criteria: LabCorp Variant Classification Summary - May 2015. Collection method: clinical testing. Allele origin: germline.
Comment: Variant summary: PYGM c.1948C>T (p.Arg650X) results in a premature termination codon, predicted to cause a truncation of the encoded protein or absence of the protein due to nonsense mediated decay, which are commonly known mechanisms for disease. The variant allele was found at a frequency of 4e-06 in 251386 control chromosomes (gnomAD). c.1948C>T has been observed in individual(s) affected with Glycogen Storage Disease, Type V (McArdle disease) (e.g. Aquaron_2007). To our knowledge, no experimental evidence demonstrating an impact on protein function has been reported. The following publication has been ascertained in the context of this evaluation (PMID: 17324573). ClinVar contains an entry for this variant (Variation ID: 433147). Based on the evidence outlined above, the variant was classified as pathogenic.

Fulgent Genetics
Classification: Pathogenic for Glycogen storage disease, type V. Last evaluated: 2024-05-20. Review status: criteria provided, single submitter. Criteria: ACMG Guidelines, 2015. Collection method: clinical testing. Allele origin: germline.

Baylor Genetics
Classification: Pathogenic for Glycogen storage disease, type V. Last evaluated: 2024-03-27. Review status: criteria provided, single submitter. Criteria: ACMG Guidelines, 2015. Collection method: clinical testing. Allele origin: unknown.

Labcorp Genetics (formerly Invitae), Labcorp
Classification: Pathogenic for Glycogen storage disease, type V. Last evaluated: 2023-07-25. Review status: criteria provided, single submitter. Criteria: Invitae Variant Classification Sherloc (09022015). Collection method: clinical testing. Allele origin: germline.
Comment: This sequence change creates a premature translational stop signal (p.Arg650*) in the PYGM gene. It is expected to result in an absent or disrupted protein product. Loss-of-function variants in PYGM are known to be pathogenic (PMID: 8316268, 16786513). This variant is not present in population databases (gnomAD no frequency). This premature translational stop signal has been observed in individuals with glycogen storage disease type V (PMID: 17324573; Invitae). ClinVar contains an entry for this variant (Variation ID: 433147). For these reasons, this variant has been classified as Pathogenic.

Molecular Diagnostics Lab, Nemours Children's Health, Delaware
Classification: Pathogenic for Glycogen storage disease, type V. Last evaluated: 2016-01-12. Review status: criteria provided, single submitter. Criteria: ACMG Guidelines, 2015. Collection method: clinical testing. Allele origin: unknown. Affected: yes. Observed: 1 heterozygote.

Neuberg Centre For Genomic Medicine, NCGM
Classification: Pathogenic for Glycogen storage disease, type V. Review status: criteria provided, single submitter. Criteria: ACMG Guidelines, 2015. Collection method: clinical testing. Allele origin: germline. Affected: yes.
Comment: The stop gained p.R650* in PYGM (NM_005609.4) has been previously reported in affected individuals (Aquaron R et al,Bruno C et al). It has been submitted to ClinVar as Pathogenic. The p.R650* variant is observed in 1/18,392 (0.0054%) alleles from individuals of East Asian background in gnomAD Exomes and is novel (not in any individuals) in 1000 Genomes. This variant is predicted to cause loss of normal protein function through protein truncation. Loss of function mutations have been previously reported to be disease causing. For these reasons, this variant has been classified as Pathogenic.

Gene Friend Way, National Innovation Center
Classification: Likely pathogenic. Last evaluated: 2023-07-28. Review status: no assertion criteria provided. Collection method: clinical testing. Allele origin: unknown. Affected: yes. Observed: 1 variant allele. Not counted in ClinVar's aggregate classification.
Comment: This sequence change creates a premature translational stop signal (p.Arg650*) in the PYGM gene. It is expected to result in an absent or disrupted protein product. This premature translational stop signal has been observed in individuals with glycogen storage disease type V (PMID: 17324573). Recent genetic and functional studies have identified a role of abnormal glycinergic signaling in Autism Spectrum Disorder (ASD) (PMID: 28270747).

Literature cited by the submitters: PubMed 30076350 (cited by Natera, Inc.); PubMed 34534370 (cited by Natera, Inc.); PubMed 17324573 (cited by 3 submitters); PubMed 8316268 (cited by Labcorp Genetics (formerly Invitae), Labcorp); PubMed 16786513 (cited by Labcorp Genetics (formerly Invitae), Labcorp).